The following is an entry in ClinVar:

NC_000005.10:g.112848793T>C

Variant type: single nucleotide variant.
Genome position: GRCh38 VCF-style: chr5-112848793-T-C. GRCh37 (hg19) VCF-style: chr5-112184490-T-C.
Identifiers: ClinVar variation 83284 (VCV000083284.3), dbSNP rs2545155, ClinGen allele CA250976.

ClinVar aggregate classification (germline): other (0 of 4 stars; one submission).

Conditions:
Familial colorectal cancer. Identifiers: MedGen CN280943, MONDO:0023113. Disease mechanism: loss of function.

Submission:

Systems Biology Platform Zhejiang California International NanoSystems Institute
Classification: other for Familial colorectal cancer. Review status: no assertion criteria provided. Collection method: not provided. Allele origin: unknown.
ClinVar note: Converted during submission from cancer to other.